The following is an entry in ClinVar:

NM_006660.5(CLPX):c.330C>G (p.Asp110Glu)

Gene: CLPX (caseinolytic mitochondrial matrix peptidase chaperone subunit X; minus strand). Cytogenetic location: 15q22.31.
Variant type: single nucleotide variant.
Coding change: c.330C>G on transcript NM_006660.5 (MANE Select); coding-DNA position 330, C replaced by G.
Protein change: p.Asp110Glu; replaces aspartic acid 110 with glutamic acid.
Molecular consequence: missense variant. On other transcripts: non-coding transcript variant (1).
Genome position (GRCh38, 1-based): chr15:65,178,962, G>C on the plus strand (C>G on the coding strand, the complement: CLPX is on the minus strand). VCF-style: chr15-65178962-G-C. GRCh37 (hg19) VCF-style: chr15-65471300-G-C.
Other names: short protein forms D110E.
Identifiers: ClinVar variation 3010327 (VCV003010327.3), dbSNP rs956977683, ClinGen allele CA271531695.
Genomic context (GRCh38, chr15:65,178,962, plus strand): 5'-GAAAAAAGAACAGTAGAAGATGTAATACTTACATACAAAGGTCTCTACATGTGTGCACAA[G>C]TCGCCACATTTAGGACAGCGCAGCTGGTTTCCACCTTTCCCAGAATTCCCAGAGCCTGAT-3'
Protein context (NP_006651.2, residues 100-120): GNQLRCPKCG[Asp110Glu]LCTHVETFVS

ClinVar aggregate classification (germline): Uncertain significance (1 of 4 stars; one submission).

Submission:

Labcorp Genetics (formerly Invitae), Labcorp
Classification: Uncertain significance. Last evaluated: 2025-05-09. Review status: criteria provided, single submitter. Criteria: Invitae Variant Classification Sherloc (09022015). Collection method: clinical testing. Allele origin: germline.
Comment: This sequence change replaces aspartic acid, which is acidic and polar, with glutamic acid, which is acidic and polar, at codon 110 of the CLPX protein (p.Asp110Glu). This variant is not present in population databases (gnomAD no frequency). This variant has not been reported in the literature in individuals affected with CLPX-related conditions. ClinVar contains an entry for this variant (Variation ID: 3010327). Invitae Evidence Modeling of protein sequence and biophysical properties (such as structural, functional, and spatial information, amino acid conservation, physicochemical variation, residue mobility, and thermodynamic stability) indicates that this missense variant is not expected to disrupt CLPX protein function with a negative predictive value of 80%. In summary, the available evidence is currently insufficient to determine the role of this variant in disease. Therefore, it has been classified as a Variant of Uncertain Significance.